The following is an entry in ClinVar:

NM_014806.5(RUSC2):c.2249C>T (p.Pro750Leu)

Gene: RUSC2 (RUN and SH3 domain containing 2; plus strand). Cytogenetic location: 9p13.3.
Variant type: single nucleotide variant.
Coding change: c.2249C>T on transcript NM_014806.5 (MANE Select); coding-DNA position 2249, C replaced by T.
Protein change: p.Pro750Leu; replaces proline 750 with leucine.
Molecular consequence: missense variant. On other transcripts: 5 prime UTR variant (1), non-coding transcript variant (1).
Genome position (GRCh38, 1-based): chr9:35,555,294, C>T. VCF-style: chr9-35555294-C-T. GRCh37 (hg19) VCF-style: chr9-35555291-C-T.
Other names: c.2249C>T, p.Pro750Leu (NM_001135999.2); c.-386C>T (NM_001330740.2); short protein forms P750L.
Identifiers: ClinVar variation 1936209 (VCV001936209.3), dbSNP rs778735033, ClinGen allele CA5043832.

ClinVar aggregate classification (germline): Uncertain significance (1 of 4 stars; one submission).

Allele frequency attached by ClinVar (database versions not stated): ExAC 0.00001.
gnomAD v4.1: 2 of 1,613,830 alleles (0.00012%); highest among the groups gnomAD compares: Admixed American, 0.0017%; no homozygotes.

Submission:

Labcorp Genetics (formerly Invitae), Labcorp
Classification: Uncertain significance. Last evaluated: 2026-02-02. Review status: criteria provided, single submitter. Criteria: Invitae Variant Classification Sherloc (09022015). Collection method: clinical testing. Allele origin: germline.
Comment: This sequence change replaces proline, which is neutral and non-polar, with leucine, which is neutral and non-polar, at codon 750 of the RUSC2 protein (p.Pro750Leu). This variant is present in population databases (rs778735033, gnomAD 0.003%). This variant has not been reported in the literature in individuals affected with RUSC2-related conditions. ClinVar contains an entry for this variant (Variation ID: 1936209). An algorithm developed to predict the effect of missense changes on protein structure and function outputs the following: PolyPhen-2: "Benign". The leucine amino acid residue is found in multiple mammalian species, which suggests that this missense change does not adversely affect protein function. In summary, the available evidence is currently insufficient to determine the role of this variant in disease. Therefore, it has been classified as a Variant of Uncertain Significance.